The following is an entry in ClinVar:

ClinVar aggregate classification (germline): Uncertain significance (1 of 4 stars; one submission).

Conditions:
Early-infantile DEE. Also called: Ohtahara syndrome; Early infantile epileptic encephalopathy; Early infantile epileptic encephalopathy with suppression bursts. Identifiers: Orphanet 1934, MedGen C0393706, MONDO:0800491.

Submission:

Labcorp Genetics (formerly Invitae), Labcorp
Classification: Uncertain significance for Early-infantile DEE. Last evaluated: 2022-06-04. Review status: criteria provided, single submitter. Criteria: Invitae Variant Classification Sherloc (09022015). Collection method: clinical testing. Allele origin: germline.
Comment: ClinVar contains an entry for this variant (Variation ID: 569963). This variant has not been reported in the literature in individuals affected with SCN8A-related conditions. This variant is not present in population databases (gnomAD no frequency). This sequence change replaces leucine, which is neutral and non-polar, with phenylalanine, which is neutral and non-polar, at codon 1307 of the SCN8A protein (p.Leu1307Phe). Algorithms developed to predict the effect of missense changes on protein structure and function are either unavailable or do not agree on the potential impact of this missense change (SIFT: "Deleterious"; PolyPhen-2: "Probably Damaging"; Align-GVGD: "Class C0"). In summary, the available evidence is currently insufficient to determine the role of this variant in disease. Therefore, it has been classified as a Variant of Uncertain Significance.

NM_001330260.2(SCN8A):c.3921A>T (p.Leu1307Phe)

Gene: SCN8A (sodium voltage-gated channel alpha subunit 8; plus strand). Cytogenetic location: 12q13.13.
Variant type: single nucleotide variant.
Coding change: c.3921A>T on transcript NM_001330260.2 (MANE Select); coding-DNA position 3921, A replaced by T.
Protein change: p.Leu1307Phe; replaces leucine 1307 with phenylalanine.
Molecular consequence: missense variant. On other transcripts: intron variant (2).
Genome position (GRCh38, 1-based): chr12:51,780,750, A>T. VCF-style: chr12-51780750-A-T. GRCh37 (hg19) VCF-style: chr12-52174534-A-T.
Other names: c.3921A>T, p.Leu1307Phe (NM_014191.4); c.3820-5792A>T (NM_001177984.3, NM_001369788.1); short protein forms L1307F.
Identifiers: ClinVar variation 569963 (VCV000569963.9), dbSNP rs1565923638, ClinGen allele CA384901545.